The following is an entry in ClinVar:

ClinVar aggregate classification (germline): Uncertain significance (1 of 4 stars; one submission).

Conditions:
Brugada syndrome. Also called: Sudden unexpected nocturnal death syndrome; Sudden Unexplained Death Syndrome; Sudden Unexplained Nocturnal Death Syndrome (SUNDS); Sudden unexplained nocturnal death syndrome. Identifiers: Orphanet 130, MedGen C1142166, MONDO:0015263.

Allele frequency attached by ClinVar (database versions not stated): gnomAD exomes below 0.00001.
gnomAD v4.1: 1 of 1,614,150 alleles (0.000062%); highest among the groups gnomAD compares: Non-Finnish European, 0.000085%; no homozygotes.

Submission:

Labcorp Genetics (formerly Invitae), Labcorp
Classification: Uncertain significance for Brugada syndrome. Last evaluated: 2022-02-21. Review status: criteria provided, single submitter. Criteria: Invitae Variant Classification Sherloc (09022015). Collection method: clinical testing. Allele origin: germline.
Comment: This variant is not present in population databases (gnomAD no frequency). This sequence change replaces aspartic acid, which is acidic and polar, with asparagine, which is neutral and polar, at codon 187 of the SCN10A protein (p.Asp187Asn). This variant has not been reported in the literature in individuals affected with SCN10A-related conditions. In summary, the available evidence is currently insufficient to determine the role of this variant in disease. Therefore, it has been classified as a Variant of Uncertain Significance. Advanced modeling of protein sequence and biophysical properties (such as structural, functional, and spatial information, amino acid conservation, physicochemical variation, residue mobility, and thermodynamic stability) performed at Invitae indicates that this missense variant is expected to disrupt SCN10A protein function.

NM_006514.4(SCN10A):c.559G>A (p.Asp187Asn)

Gene: SCN10A (sodium voltage-gated channel alpha subunit 10; minus strand). Cytogenetic location: 3p22.2.
Variant type: single nucleotide variant.
Coding change: c.559G>A on transcript NM_006514.4 (MANE Select); coding-DNA position 559, G replaced by A.
Protein change: p.Asp187Asn; replaces aspartic acid 187 with asparagine.
Molecular consequence: missense variant.
Genome position (GRCh38, 1-based): chr3:38,771,319, C>T on the plus strand (G>A on the coding strand, the complement: SCN10A is on the minus strand). VCF-style: chr3-38771319-C-T. GRCh37 (hg19) VCF-style: chr3-38812810-C-T.
Other names: c.559G>A, p.Asp187Asn (NM_001293306.2, NM_001293307.2); short protein forms D187N.
Identifiers: ClinVar variation 2100811 (VCV002100811.4), dbSNP rs777950383, ClinGen allele CA352156210.
Genomic context (GRCh38, chr3:38,771,319, plus strand): 5'-CTGCATAGAGATATACTCACGCCAGGGTAATGACGCTAAAATCCAGCCAGTTCCAAGGAT[C>T]TCTCAGGTACGTGAACTCATTTAGACAAAATCCTCTTGCCAGTATCTTTATCAAGGCTTC-3'
Protein context (NP_006505.4, residues 177-197): FCLNEFTYLR[Asp187Asn]PWNWLDFSVI